The following is an entry in ClinVar:

ClinVar aggregate classification (germline): Pathogenic (1 of 4 stars; one submission).

Conditions:
Familial cancer of breast. Also called: Hereditary breast cancer; hereditary breast carcinoma; BREAST CANCER, FAMILIAL. Identifiers: Orphanet 227535, MedGen C0346153, MONDO:0016419, OMIM 114480. Disease mechanism: loss of function.

Submission:

Labcorp Genetics (formerly Invitae), Labcorp
Classification: Pathogenic for Familial cancer of breast. Last evaluated: 2021-12-29. Review status: criteria provided, single submitter. Criteria: Invitae Variant Classification Sherloc (09022015). Collection method: clinical testing. Allele origin: germline.
Comment: For these reasons, this variant has been classified as Pathogenic. This variant has not been reported in the literature in individuals affected with PALB2-related conditions. This variant is a gross deletion of the genomic region encompassing exon(s) 9-11 of the PALB2 gene. This deletion is out-of-frame, and is expected to create a premature termination codon and result in an absent or disrupted protein product. Loss-of-function variants in PALB2 are known to be pathogenic (PMID: 17200668, 17200671, 17200672, 24136930, 25099575).

Literature cited by the submitters: PubMed 17200668; PubMed 17200671; PubMed 17200672; PubMed 24136930; PubMed 25099575.

NC_000016.9:g.(?_23625315)_(23634461_?)del

Gene: PALB2 (partner and localizer of BRCA2; minus strand). Cytogenetic location: 16p12.2.
Variant type: Deletion.
Identifiers: ClinVar variation 1073966 (VCV001073966.7).